The following is an entry in ClinVar:

NM_007294.4(BRCA1):c.1938C>G (p.Ser646Arg)

Gene: BRCA1 (BRCA1 DNA repair associated; minus strand). Cytogenetic location: 17q21.31.
Variant type: single nucleotide variant.
Coding change: c.1938C>G on transcript NM_007294.4 (MANE Select); coding-DNA position 1938, C replaced by G.
Protein change: p.Ser646Arg; replaces serine 646 with arginine.
Molecular consequence: missense variant. On other transcripts: intron variant (137).
Genome position (GRCh38, 1-based): chr17:43,093,593, G>C on the plus strand (C>G on the coding strand, the complement: BRCA1 is on the minus strand). VCF-style: chr17-43093593-G-C. GRCh37 (hg19) VCF-style: chr17-41245610-G-C.
Other names: c.1815C>G, p.Ser605Arg (NM_001407683.1, NM_001407648.1, NM_001407664.1 and 19 more transcripts); c.1812C>G, p.Ser604Arg (NM_001407685.1, NM_001407686.1, NM_001407687.1 and 11 more transcripts); c.1938C>G, p.Ser646Arg (NM_001407684.1, NM_001407581.1, NM_001407582.1 and 30 more transcripts); c.1797C>G, p.Ser599Arg (NM_001407692.1, NM_001407694.1, NM_001407695.1 and 29 more transcripts); c.1725C>G, p.Ser575Arg (NM_001407571.1, NM_001407853.1, NM_001407894.1 and 9 more transcripts); c.1935C>G, p.Ser645Arg (NM_001407587.1, NM_001407590.1, NM_001407591.1 and 22 more transcripts); c.1929C>G, p.Ser643Arg (NM_001407646.1, NM_001407647.1); c.1860C>G, p.Ser620Arg (NM_001407653.1, NM_001407654.1, NM_001407655.1 and 4 more transcripts); and 40 more; short protein forms S350R, S478R, S519R, S534R, S558R, S579R, S599R, S598R.
Identifiers: ClinVar variation 3634681 (VCV003634681.2).

ClinVar aggregate classification (germline): Uncertain significance (1 of 4 stars; one submission).

Conditions:
Hereditary breast ovarian cancer syndrome. Also called: Hereditary breast and ovarian cancer syndrome; Hereditary breast and ovarian cancer syndrome (HBOC); BRCA1- and BRCA2-Associated Hereditary Breast and Ovarian Cancer; Hereditary breast and ovarian cancer; Breast and ovarian cancer; Hereditary breast and/or ovarian cancer syndrome. Identifiers: Orphanet 145, MedGen C0677776, MeSH D061325, MONDO:0003582. Disease mechanism: loss of function.

Submission:

Labcorp Genetics (formerly Invitae), Labcorp
Classification: Uncertain significance for Hereditary breast ovarian cancer syndrome. Last evaluated: 2024-04-06. Review status: criteria provided, single submitter. Criteria: Invitae Variant Classification Sherloc (09022015). Collection method: clinical testing. Allele origin: germline.
Comment: This sequence change replaces serine, which is neutral and polar, with arginine, which is basic and polar, at codon 646 of the BRCA1 protein (p.Ser646Arg). This variant is not present in population databases (gnomAD no frequency). This variant has not been reported in the literature in individuals affected with BRCA1-related conditions. Advanced modeling of protein sequence and biophysical properties (such as structural, functional, and spatial information, amino acid conservation, physicochemical variation, residue mobility, and thermodynamic stability) has been performed at Invitae for this missense variant, however the output from this modeling did not meet the statistical confidence thresholds required to predict the impact of this variant on BRCA1 protein function. In summary, the available evidence is currently insufficient to determine the role of this variant in disease. Therefore, it has been classified as a Variant of Uncertain Significance.